The following is an entry in ClinVar:

ClinVar aggregate classification (germline): Likely benign (1 of 4 stars; one submission).

Allele frequency attached by ClinVar (database versions not stated): gnomAD 0.00001; TOPMed 0.00003; gnomAD exomes 0.00005.
gnomAD v4.1: 15 of 416,920 alleles (0.0036%); highest among the groups gnomAD compares: Admixed American, 0.0078%; no homozygotes.

Submission:

CeGaT Center for Human Genetics Tuebingen
Classification: Likely benign. Last evaluated: 2025-07-01. Review status: criteria provided, single submitter. Criteria: CeGaT Center For Human Genetics Tuebingen Variant Classification Criteria Version 2. Collection method: clinical testing. Allele origin: germline. Affected: yes. Observed: 2 variant alleles.
Comment: KCNQ1OT1: BP5, BS2

NM_000218.3(KCNQ1):c.1514+518G>A

Genes: KCNQ1 (potassium voltage-gated channel subfamily Q member 1; plus strand), KCNQ1OT1 (KCNQ1 opposite strand/antisense transcript 1; minus strand). Cytogenetic location: 11p15.5.
Variant type: single nucleotide variant.
Coding change: c.1514+518G>A on transcript NM_000218.3 (MANE Select); 518 bases into the intron after coding-DNA position 1514, G replaced by A.
Molecular consequence: intron variant. On other transcripts: non-coding transcript variant (1).
Genome position (GRCh38, 1-based): chr11:2,662,599, G>A. VCF-style: chr11-2662599-G-A. GRCh37 (hg19) VCF-style: chr11-2683829-G-A.
Other names: c.1244+518G>A (NM_001406837.1); c.1418+518G>A (NM_001406836.1); c.974+518G>A (NM_001406838.1); c.1133+518G>A (NM_181798.2).
Identifiers: ClinVar variation 2641447 (VCV002641447.24), dbSNP rs961559398, ClinGen allele CA216171475.